The following is an entry in ClinVar:

NM_000334.4(SCN4A):c.4391G>C (p.Gly1464Ala)

Genes: SCN4A (sodium voltage-gated channel alpha subunit 4; minus strand), GH-LCR (growth hormone locus control region; plus strand). Cytogenetic location: 17q23.3.
Variant type: single nucleotide variant.
Coding change: c.4391G>C on transcript NM_000334.4 (MANE Select); coding-DNA position 4391, G replaced by C.
Protein change: p.Gly1464Ala; replaces glycine 1464 with alanine.
Molecular consequence: missense variant.
Genome position (GRCh38, 1-based): chr17:63,941,891, C>G on the plus strand (G>C on the coding strand, the complement: SCN4A is on the minus strand). VCF-style: chr17-63941891-C-G. GRCh37 (hg19) VCF-style: chr17-62019251-C-G.
Other names: short protein forms G1464A.
Identifiers: ClinVar variation 1303379 (VCV001303379.3), dbSNP rs2144774769, ClinGen allele CA400616114.
Genomic context (GRCh38, chr17:63,941,891, plus strand): 5'-TTGAAGAGGGCAGGCAGCGACATCATGAGGGCGAACAGCAGCGTCCGGATGCCCTTGGCC[C>G]CGCGGATCAGCCGCAGGACACGCCCAATCCGCGCCAGGCGGATCACACGGAACAGCGTGG-3'
Protein context (NP_000325.4, residues 1454-1474): RIGRVLRLIR[Gly1464Ala]AKGIRTLLFA

ClinVar aggregate classification (germline): Uncertain significance. Review status: criteria provided, multiple submitters, no conflicts (2 of 4 stars). 2 submissions from 2 submitters: Uncertain significance (2). Last evaluated 2025-08-04.

Conditions:
Inborn genetic diseases. Identifiers: MedGen C0950123, MeSH D030342.

Submissions (2):

Ambry Genetics
Classification: Uncertain significance for Inborn genetic diseases. Last evaluated: 2025-08-04. Review status: criteria provided, single submitter. Criteria: Ambry Variant Classification Scheme 2023. Collection method: clinical testing. Allele origin: germline.

GeneDx
Classification: Uncertain significance. Last evaluated: 2019-12-13. Review status: criteria provided, single submitter. Criteria: GeneDx Variant Classification Process June 2021. Collection method: clinical testing. Allele origin: germline. Affected: yes.
Comment: Not observed in large population cohorts (Lek et al., 2016); In silico analysis, which includes protein predictors and evolutionary conservation, supports a deleterious effect; Has not been previously published as pathogenic or benign to our knowledge